The following is an entry in ClinVar:

NM_000310.4(PPT1):c.234+2T>G

Gene: PPT1 (palmitoyl-protein thioesterase 1; minus strand). Cytogenetic location: 1p34.2.
Variant type: single nucleotide variant.
Coding change: c.234+2T>G on transcript NM_000310.4 (MANE Select); the canonical splice donor site of the intron after coding-DNA position 234, T replaced by G.
Molecular consequence: splice donor variant. On other transcripts: intron variant (1).
Genome position (GRCh38, 1-based): chr1:40,092,396, A>C on the plus strand (T>G on the coding strand, the complement: PPT1 is on the minus strand). VCF-style: chr1-40092396-A-C. GRCh37 (hg19) VCF-style: chr1-40558068-A-C.
Other names: c.125-2884T>G (NM_001142604.2); c.234+2T>G (NM_001363695.2).
Identifiers: ClinVar variation 1809613 (VCV001809613.3), dbSNP rs2523689662, ClinGen allele CA339849487.

ClinVar aggregate classification (germline): Likely pathogenic (1 of 4 stars; one submission).

Conditions:
Neuronal ceroid lipofuscinosis 1 (CLN1). Also called: CEROID LIPOFUSCINOSIS, NEURONAL, 1, VARIABLE AGE AT ONSET; PPT1-Related Neuronal Ceroid-Lipofuscinosis. Identifiers: Orphanet 228329, MedGen C1850451, MONDO:0009744, OMIM 256730.

Submission:

Human Genome Lab, NIMHANS, National Institute of Mental Health and Neuro Sciences
Classification: Likely pathogenic for Neuronal ceroid lipofuscinosis 1. Last evaluated: 2022-08-02. Review status: criteria provided, single submitter. Criteria: ACMG Guidelines, 2015. Collection method: clinical testing. Allele origin: unknown. Inheritance: Autosomal recessive inheritance. Affected: yes. Observed: 1 homozygote.
Comment: The variant is novel (not observed in any individuals in 1KG, gnomAD and our inhouse database). This variant mutates a splice-donor sequence, potentially resulting in the retention of large segments of intronic DNA by the mRNA and nonfunctional proteins. This variant results in the loss of an donor splice site for the clinically relevant transcript. This variant disrupts the donor splice site for an exon upstream from the penultimate exon junction and is therefore predicted to cause nonsense mediated decay. The c.234+2T>G variant is a loss of function variant in the gene PPT1, which is intolerant of Loss of Function variants, as indicated by the presence of existing pathogenic loss of function variant NP_000301.1:p.M1K and 19 others. For these reasons, this variant has been classified as Likely Pathogenic.